The following is an entry in ClinVar:

ClinVar aggregate classification (germline): Likely pathogenic (1 of 4 stars; one submission).

Conditions:
Basal cell nevus syndrome 1 (BCNS1). Also called: GORLIN-GOLTZ SYNDROME; MULTIPLE BASAL CELL NEVI, ODONTOGENIC KERATOCYSTS, AND SKELETAL ANOMALIES. Identifiers: MedGen CN376810, MONDO:0958174, OMIM 109400.

Submission:

Genomics, Clalit Research Institute, Clalit Health Care
Classification: Likely pathogenic for Basal cell nevus syndrome 1. Last evaluated: 2025-02-28. Review status: criteria provided, single submitter. Criteria: ACMG Guidelines, 2015. Collection method: clinical testing. Allele origin: germline. Inheritance: Autosomal dominant inheritance. Affected: yes. Observed: 1 heterozygote.
Comment: Frequency: The variant is absent from the gnomAD reference population dataset. Variant type: Null variant (frameshift) in a gene where loss of function is a known mechanism of disease. Predicted to undergo NMD. Clinical evidence: To date, the variant has not been described by reputable sources or in the primary literature.

NM_000264.5(PTCH1):c.267del (p.Lys89fs)

Gene: PTCH1 (patched 1; minus strand). Cytogenetic location: 9q22.32.
Variant type: Deletion.
Coding change: c.267del on transcript NM_000264.5 (MANE Select); coding-DNA position 267, one base deleted (A; older notation c.267delA).
Protein change: p.Lys89fs; shifts the reading frame from lysine 89.
Molecular consequence: frameshift variant. On other transcripts: 5 prime UTR variant (4), non-coding transcript variant (1).
Genome position (GRCh38, 1-based): chr9:95,506,534, T deleted on the plus strand (A on the coding strand, the reverse complement: PTCH1 is on the minus strand); the first of 3 consecutive T bases (chr9:95,506,534-95,506,536); deleting any one gives the same sequence. VCF-style (leftmost placement, unchanged base first): chr9-95506533-GT-G. GRCh37 (hg19) VCF-style: chr9-98268815-GT-G.
Other names: c.69del, p.Lys23fs (NM_001083602.3, NM_001354919.2); c.264del, p.Lys88fs (NM_001083603.3); c.-187del (NM_001083604.3, NM_001083605.3, NM_001083606.3 and 1 more transcripts); c.267del, p.Lys89fs (NM_001354918.2); short protein forms K23fs, K88fs, K89fs.
Identifiers: ClinVar variation 3776311 (VCV003776311.1).
Genomic context (GRCh38, chr9:95,506,533, plus strand): 5'-CAAATATGAGGAGGCCCACAACCAAGAACTTGCCGCAGTTTTTTTGAATGTAACAACCCA[GT>G]TTAAATAAGAGTCTCTGAAACTTCGCTCTCAGCCACAGCGGCGCTTTCCGGCCAGTAGCC-3'